The following is an entry in ClinVar:

NM_002661.5(PLCG2):c.3504G>T (p.Lys1168Asn)

Gene: PLCG2 (phospholipase C gamma 2; plus strand). Cytogenetic location: 16q23.3.
Variant type: single nucleotide variant.
Coding change: c.3504G>T on transcript NM_002661.5 (MANE Select); coding-DNA position 3504, G replaced by T.
Protein change: p.Lys1168Asn; replaces lysine 1168 with asparagine.
Molecular consequence: missense variant.
Genome position (GRCh38, 1-based): chr16:81,946,197, G>T. VCF-style: chr16-81946197-G-T. GRCh37 (hg19) VCF-style: chr16-81979802-G-T.
Other names: short protein forms K1168N.
Identifiers: ClinVar variation 1436002 (VCV001436002.10), dbSNP rs1447212251, ClinGen allele CA396909667.
Genomic context (GRCh38, chr16:81,946,197, plus strand): 5'-TTACCTGCCTTTGCATTTTCCTCCTTGTTCTGCTTCAGGATTCAGGTCCGTTCCTCTGAA[G>T]AATGGGTACAGCGAGGACATAGAGCTGGCTTCCCTCCTGGTTTTCTGTGAGATGCGGCCA-3'
Protein context (NP_002652.2, residues 1158-1178): VKSGFRSVPL[Lys1168Asn]NGYSEDIELA

ClinVar aggregate classification (germline): Uncertain significance. Review status: criteria provided, multiple submitters, no conflicts (2 of 4 stars). 2 submissions from 2 submitters: Uncertain significance (2). Last evaluated 2023-11-28.

Conditions:
Autoinflammation-PLCG2-associated antibody deficiency-immune dysregulation. Also called: Autoinflammation, antibody deficiency, and immune dysregulation syndrome; Autoinflammation, antibody deficiency, and immune dysregulation, plcg2-associated; AUTOINFLAMMATION, ANTIBODY DEFICIENCY, AND IMMUNE DYSREGULATION. Identifiers: Orphanet 324530, MedGen C3553961, MONDO:0013944, OMIM 614878.
Familial cold autoinflammatory syndrome 3 (FCAS3). Also called: FAMILIAL ATYPICAL COLD URTICARIA; ANTIBODY DEFICIENCY AND IMMUNE DYSREGULATION, PLCG2-ASSOCIATED. Identifiers: Orphanet 300359, MedGen C3280914, MONDO:0013766, OMIM 614468.

Allele frequency attached by ClinVar (database versions not stated): TOPMed below 0.00001; gnomAD exomes 0.00001.
gnomAD v4.1: 8 of 1,613,874 alleles (0.0005%); highest among the groups gnomAD compares: Non-Finnish European, 0.00059%; no homozygotes.

Submissions (2):

Labcorp Genetics (formerly Invitae), Labcorp
Classification: Uncertain significance for Familial cold autoinflammatory syndrome 3. Last evaluated: 2023-11-28. Review status: criteria provided, single submitter. Criteria: Invitae Variant Classification Sherloc (09022015). Collection method: clinical testing. Allele origin: germline.
Comment: This sequence change replaces lysine, which is basic and polar, with asparagine, which is neutral and polar, at codon 1168 of the PLCG2 protein (p.Lys1168Asn). This variant is present in population databases (no rsID available, gnomAD 0.0009%). This variant has not been reported in the literature in individuals affected with PLCG2-related conditions. ClinVar contains an entry for this variant (Variation ID: 1436002). An algorithm developed to predict the effect of missense changes on protein structure and function (PolyPhen-2) suggests that this variant is likely to be disruptive. In summary, the available evidence is currently insufficient to determine the role of this variant in disease. Therefore, it has been classified as a Variant of Uncertain Significance.

Fulgent Genetics
Classification: Uncertain significance for Familial cold autoinflammatory syndrome 3; Autoinflammation-PLCG2-associated antibody deficiency-immune dysregulation. Last evaluated: 2021-11-19. Review status: criteria provided, single submitter. Criteria: ACMG Guidelines, 2015. Collection method: clinical testing. Allele origin: unknown.